The following is an entry in ClinVar:

NM_000070.3(CAPN3):c.1800+5G>A

Gene: CAPN3 (calpain 3; plus strand). Cytogenetic location: 15q15.1.
Variant type: single nucleotide variant.
Coding change: c.1800+5G>A on transcript NM_000070.3 (MANE Select); 5 bases into the intron after coding-DNA position 1800, G replaced by A.
Molecular consequence: intron variant.
Genome position (GRCh38, 1-based): chr15:42,405,948, G>A. VCF-style: chr15-42405948-G-A. GRCh37 (hg19) VCF-style: chr15-42698146-G-A.
Other names: c.1782+2171G>A (NM_024344.2); c.1638+2171G>A (NM_173087.2); c.264+5G>A (NM_173088.2); c.-82+5G>A (NM_173090.2); c.-82+993G>A (NM_173089.2).
Identifiers: ClinVar variation 656989 (VCV000656989.9), dbSNP rs373194123, ClinGen allele CA269846183.

ClinVar aggregate classification (germline): Uncertain significance. Review status: criteria provided, single submitter (1 of 4 stars). 2 submissions from 2 submitters: Uncertain significance (1). 1 of the submissions does not count toward it. Last evaluated 2024-01-08.

Conditions:
Autosomal recessive limb-girdle muscular dystrophy type 2A (LGMDR1). Also called: Limb-girdle muscular dystrophy, type 2A; Calpainopathy; MUSCULAR DYSTROPHY, PELVOFEMORAL; LEYDEN-MOEBIUS MUSCULAR DYSTROPHY; Muscular dystrophy, limb-girdle, type 2A, Amish. Identifiers: Orphanet 267, MedGen C1869123, MONDO:0009675, OMIM 253600. Disease mechanism: loss of function.

Allele frequency attached by ClinVar (database versions not stated): gnomAD exomes below 0.00001; gnomAD 0.00003; TOPMed 0.00005; ESP Exome Variant Server 0.00008.
gnomAD v4.1: 7 of 1,611,632 alleles (0.00043%); highest among the groups gnomAD compares: African/African-American, 0.0053%; no homozygotes.

Submissions (2):

Labcorp Genetics (formerly Invitae), Labcorp
Classification: Uncertain significance for Autosomal recessive limb-girdle muscular dystrophy type 2A. Last evaluated: 2024-01-08. Review status: criteria provided, single submitter. Criteria: Invitae Variant Classification Sherloc (09022015). Collection method: clinical testing. Allele origin: germline.
Comment: This sequence change falls in intron 15 of the CAPN3 gene. It does not directly change the encoded amino acid sequence of the CAPN3 protein. It affects a nucleotide within the consensus splice site. This variant is present in population databases (rs373194123, gnomAD 0.008%). This variant has not been reported in the literature in individuals affected with CAPN3-related conditions. ClinVar contains an entry for this variant (Variation ID: 656989). Variants that disrupt the consensus splice site are a relatively common cause of aberrant splicing (PMID: 17576681, 9536098). Algorithms developed to predict the effect of sequence changes on RNA splicing suggest that this variant may disrupt the consensus splice site. In summary, the available evidence is currently insufficient to determine the role of this variant in disease. Therefore, it has been classified as a Variant of Uncertain Significance.

Natera, Inc.
Classification: Uncertain significance for Limb-girdle muscular dystrophy type 2A. Last evaluated: 2021-02-22. Review status: no assertion criteria provided. Collection method: clinical testing. Allele origin: germline. Not counted in ClinVar's aggregate classification.

Literature cited by the submitters: PubMed 17576681 (cited by Labcorp Genetics (formerly Invitae), Labcorp); PubMed 9536098 (cited by Labcorp Genetics (formerly Invitae), Labcorp).